The following is an entry in ClinVar:

ClinVar aggregate classification (germline): Likely pathogenic (1 of 4 stars; one submission).

Conditions:
Anemia, nonspherocytic hemolytic, due to G6PD deficiency (CNSHA1). Also called: Hemolytic anemia due to G6PD deficiency; Favism, susceptibility to; Class I glucose-6-phosphate dehydrogenase deficiency; ANEMIA, CONGENITAL, NONSPHEROCYTIC HEMOLYTIC, 1. Identifiers: Orphanet 466026, MedGen C2720289, MONDO:0010480, OMIM 300908.

Submission:

Dunham Lab, University of Washington
Classification: Likely pathogenic for Anemia, nonspherocytic hemolytic, due to G6PD deficiency. Last evaluated: 2022-08-12. Review status: criteria provided, single submitter. Criteria: Bayesian ACMG Guidelines, 2018. Collection method: curation. Allele origin: unknown. Affected: yes.
Comment: Undetectable activity in red blood cells (PS3). 871G>A is below expected carrier frequency in gnomAD (PM2). Post_P 0.949 (odds of pathogenicity 168.4, Prior_P 0.1).

Literature cited by the submitters: PubMed 17018380.

NM_001360016.2(G6PD):c.[202G>A;871G>A]

Variant type: Haplotype.
Identifiers: ClinVar variation 1722596 (VCV001722596.2).